The following is an entry in ClinVar:

ClinVar aggregate classification (germline): Uncertain significance. Review status: criteria provided, multiple submitters, no conflicts (2 of 4 stars). 3 submissions from 3 submitters: Uncertain significance (3). Last evaluated 2026-04-13.

Conditions:
Cystic fibrosis (CF). Also called: MUCOVISCIDOSIS. Identifiers: Orphanet 586, MedGen C0010674, MONDO:0009061, OMIM 219700. Disease mechanism: loss of function.

Allele frequency attached by ClinVar (database versions not stated): gnomAD exomes below 0.00001.
gnomAD v4.1: 1 of 1,613,012 alleles (0.000062%); highest among the groups gnomAD compares: Admixed American, 0.0017%; no homozygotes.

Submissions (3):

Women's Health and Genetics/Laboratory Corporation of America, LabCorp
Classification: Uncertain significance. Last evaluated: 2026-04-13. Review status: criteria provided, single submitter. Criteria: LabCorp Variant Classification Summary - May 2015. Collection method: clinical testing. Allele origin: germline.

Ambry Genetics
Classification: Uncertain significance for Cystic fibrosis. Last evaluated: 2024-01-17. Review status: criteria provided, single submitter. Criteria: Ambry Variant Classification Scheme 2023. Collection method: clinical testing. Allele origin: germline.
Comment: The p.L998I variant (also known as c.2992T>A), located in coding exon 19 of the CFTR gene, results from a T to A substitution at nucleotide position 2992. The leucine at codon 998 is replaced by isoleucine, an amino acid with highly similar properties. This amino acid position is conserved. In addition, this alteration is predicted to be tolerated by in silico analysis. Since supporting evidence is limited at this time, the clinical significance of this alteration remains unclear.

Labcorp Genetics (formerly Invitae), Labcorp
Classification: Uncertain significance for Cystic fibrosis. Last evaluated: 2022-02-24. Review status: criteria provided, single submitter. Criteria: Invitae Variant Classification Sherloc (09022015). Collection method: clinical testing. Allele origin: germline.
Comment: In summary, the available evidence is currently insufficient to determine the role of this variant in disease. Therefore, it has been classified as a Variant of Uncertain Significance. Algorithms developed to predict the effect of missense changes on protein structure and function output the following: SIFT: "Tolerated"; PolyPhen-2: "Benign"; Align-GVGD: "Class C0". The isoleucine amino acid residue is found in multiple mammalian species, which suggests that this missense change does not adversely affect protein function. This variant has not been reported in the literature in individuals affected with CFTR-related conditions. This variant is not present in population databases (gnomAD no frequency). This sequence change replaces leucine, which is neutral and non-polar, with isoleucine, which is neutral and non-polar, at codon 998 of the CFTR protein (p.Leu998Ile).

NM_000492.4(CFTR):c.2992T>A (p.Leu998Ile)

Genes: CFTR (CF transmembrane conductance regulator; plus strand), CFTR-AS2 (CFTR antisense RNA 2; minus strand), LOC111674472 (DNase I hypersensitive sites in introns 16 and 17a of CFTR; plus strand). Cytogenetic location: 7q31.2.
Variant type: single nucleotide variant.
Coding change: c.2992T>A on transcript NM_000492.4 (MANE Select); coding-DNA position 2992, T replaced by A.
Protein change: p.Leu998Ile; replaces leucine 998 with isoleucine.
Molecular consequence: missense variant.
Genome position (GRCh38, 1-based): chr7:117,610,522, T>A. VCF-style: chr7-117610522-T-A. GRCh37 (hg19) VCF-style: chr7-117250576-T-A.
Other names: short protein forms L998I.
Identifiers: ClinVar variation 1521233 (VCV001521233.9), dbSNP rs2116080345, ClinGen allele CA368990254.